The following is an entry in ClinVar:

ClinVar aggregate classification (germline): Uncertain significance. Review status: criteria provided, multiple submitters, no conflicts (2 of 4 stars). 2 submissions from 2 submitters: Uncertain significance (2). Last evaluated 2025-03-04.

Allele frequency attached by ClinVar (database versions not stated): TOPMed 0.00003; ExAC 0.00004; gnomAD exomes 0.00004; gnomAD 0.00005; 1000 Genomes Project 30x 0.00016; 1000 Genomes Project 0.00020.
gnomAD v4.1: 64 of 1,612,554 alleles (0.004%); highest among the groups gnomAD compares: East Asian, 0.013%; no homozygotes.

Submissions (2):

Labcorp Genetics (formerly Invitae), Labcorp
Classification: Uncertain significance. Last evaluated: 2025-03-04. Review status: criteria provided, single submitter. Criteria: Invitae Variant Classification Sherloc (09022015). Collection method: clinical testing. Allele origin: germline.
Comment: This sequence change replaces valine, which is neutral and non-polar, with methionine, which is neutral and non-polar, at codon 330 of the GCKR protein (p.Val330Met). This variant is present in population databases (rs563921371, gnomAD 0.03%). This variant has not been reported in the literature in individuals affected with GCKR-related conditions. ClinVar contains an entry for this variant (Variation ID: 2384886). Invitae Evidence Modeling of protein sequence and biophysical properties (such as structural, functional, and spatial information, amino acid conservation, physicochemical variation, residue mobility, and thermodynamic stability) indicates that this missense variant is not expected to disrupt GCKR protein function with a negative predictive value of 80%. In summary, the available evidence is currently insufficient to determine the role of this variant in disease. Therefore, it has been classified as a Variant of Uncertain Significance.

Ambry Genetics
Classification: Uncertain significance. Last evaluated: 2024-08-10. Review status: criteria provided, single submitter. Criteria: Ambry Variant Classification Scheme 2023. Collection method: clinical testing. Allele origin: germline.

NM_001486.4(GCKR):c.988G>A (p.Val330Met)

Gene: GCKR (glucokinase regulator; plus strand). Cytogenetic location: 2p23.3.
Variant type: single nucleotide variant.
Coding change: c.988G>A on transcript NM_001486.4 (MANE Select); coding-DNA position 988, G replaced by A.
Protein change: p.Val330Met; replaces valine 330 with methionine.
Molecular consequence: missense variant.
Genome position (GRCh38, 1-based): chr2:27,506,807, G>A. VCF-style: chr2-27506807-G-A. GRCh37 (hg19) VCF-style: chr2-27729674-G-A.
Other names: short protein forms V330M.
Identifiers: ClinVar variation 2384886 (VCV002384886.4), dbSNP rs563921371, ClinGen allele CA1581815.
Genomic context (GRCh38, chr2:27,506,807, plus strand): 5'-CACGGTGATCTCTCATGTCCTGACCTCTGACCCATTCTCAGTCTGGAGAAGAAAGGCCAC[G>A]TGTACCTGGTTGGCTGGCAGACCCTGGGCATCATTGCCATCATGGATGGAGTAGAGTGCA-3'
Protein context (NP_001477.2, residues 320-340): VSTSLEKKGH[Val330Met]YLVGWQTLGI